The following is an entry in ClinVar:

ClinVar aggregate classification (germline): Uncertain significance. Review status: criteria provided, multiple submitters, no conflicts (2 of 4 stars). 2 submissions from 2 submitters: Uncertain significance (2). Last evaluated 2025-06-08.

Conditions:
Inborn genetic diseases. Identifiers: MedGen C0950123, MeSH D030342.
Baller-Gerold syndrome (BGS). Also called: CRANIOSYNOSTOSIS WITH RADIAL DEFECTS. Identifiers: Orphanet 1225, MedGen C0265308, MONDO:0009039, OMIM 218600.

Allele frequency attached by ClinVar (database versions not stated): gnomAD exomes below 0.00001; TOPMed below 0.00001.

Submissions (2):

Ambry Genetics
Classification: Uncertain significance for Inborn genetic diseases. Last evaluated: 2025-06-08. Review status: criteria provided, single submitter. Criteria: Ambry Variant Classification Scheme 2023. Collection method: clinical testing. Allele origin: germline.
Comment: The p.V245G variant (also known as c.734T>G), located in coding exon 5 of the RECQL4 gene, results from a T to G substitution at nucleotide position 734. The valine at codon 245 is replaced by glycine, an amino acid with dissimilar properties. This amino acid position is conserved. In addition, this alteration is predicted to be tolerated by in silico analysis. Based on the available evidence, the clinical significance of this variant remains unclear.

Labcorp Genetics (formerly Invitae), Labcorp
Classification: Uncertain significance for Baller-Gerold syndrome. Last evaluated: 2024-10-29. Review status: criteria provided, single submitter. Criteria: Invitae Variant Classification Sherloc (09022015). Collection method: clinical testing. Allele origin: germline.
Comment: This sequence change replaces valine, which is neutral and non-polar, with glycine, which is neutral and non-polar, at codon 245 of the RECQL4 protein (p.Val245Gly). This variant is not present in population databases (gnomAD no frequency). This variant has not been reported in the literature in individuals affected with RECQL4-related conditions. ClinVar contains an entry for this variant (Variation ID: 834997). Invitae Evidence Modeling of protein sequence and biophysical properties (such as structural, functional, and spatial information, amino acid conservation, physicochemical variation, residue mobility, and thermodynamic stability) indicates that this missense variant is not expected to disrupt RECQL4 protein function with a negative predictive value of 80%. In summary, the available evidence is currently insufficient to determine the role of this variant in disease. Therefore, it has been classified as a Variant of Uncertain Significance.

NM_004260.4(RECQL4):c.734T>G (p.Val245Gly)

Gene: RECQL4 (RecQ like helicase 4; minus strand). Cytogenetic location: 8q24.3.
Variant type: single nucleotide variant.
Coding change: c.734T>G on transcript NM_004260.4 (MANE Select); coding-DNA position 734, T replaced by G.
Protein change: p.Val245Gly; replaces valine 245 with glycine.
Molecular consequence: missense variant.
Genome position (GRCh38, 1-based): chr8:144,516,385, A>C on the plus strand (T>G on the coding strand, the complement: RECQL4 is on the minus strand). VCF-style: chr8-144516385-A-C. GRCh37 (hg19) VCF-style: chr8-145741769-A-C.
Other names: short protein forms V245G.
Identifiers: ClinVar variation 834997 (VCV000834997.7), dbSNP rs1814996367, ClinGen allele CA372689470.